The following is an entry in ClinVar:

ClinVar aggregate classification (germline): Uncertain significance (1 of 4 stars; one submission).

Submission:

GeneDx
Classification: Uncertain significance. Last evaluated: 2019-07-23. Review status: criteria provided, single submitter. Criteria: GeneDx Variant Classification Process June 2021. Collection method: clinical testing. Allele origin: germline. Affected: yes.
Comment: Not observed in large population cohorts (Lek et al., 2016); In silico analysis, which includes protein predictors and evolutionary conservation, supports that this variant does not alter protein structure/function; Has not been previously published as pathogenic or benign to our knowledge

NM_021224.6(ZNF462):c.3645G>C (p.Lys1215Asn)

Gene: ZNF462 (zinc finger protein 462; plus strand). Cytogenetic location: 9q31.2.
Variant type: single nucleotide variant.
Coding change: c.3645G>C on transcript NM_021224.6 (MANE Select); coding-DNA position 3645, G replaced by C.
Protein change: p.Lys1215Asn; replaces lysine 1215 with asparagine.
Molecular consequence: missense variant. On other transcripts: intron variant (1).
Genome position (GRCh38, 1-based): chr9:106,927,557, G>C. VCF-style: chr9-106927557-G-C. GRCh37 (hg19) VCF-style: chr9-109689838-G-C.
Other names: c.3252+393G>C (NM_001347997.2); short protein forms K1215N.
Identifiers: ClinVar variation 1303810 (VCV001303810.2), dbSNP rs2131487754, ClinGen allele CA374403979.